The following is an entry in ClinVar:

ClinVar aggregate classification (germline): Uncertain significance (1 of 4 stars; one submission).

Conditions:
Epidermolysis bullosa simplex 5B, with muscular dystrophy (EBS5B). Also called: Epidermolysis bullosa simplex with muscular dystrophy; EPIDERMOLYSIS BULLOSA SIMPLEX AND LIMB-GIRDLE MUSCULAR DYSTROPHY. Identifiers: Orphanet 257, MedGen C2931072, MONDO:0009181, OMIM 226670.
Autosomal recessive limb-girdle muscular dystrophy type 2Q (LGMDR17). Also called: MUSCULAR DYSTROPHY, LIMB-GIRDLE, AUTOSOMAL RECESSIVE 17. Identifiers: Orphanet 254361, MedGen C3150989, MONDO:0013390, OMIM 613723.
Epidermolysis bullosa simplex with nail dystrophy (EBS5D). Identifiers: MedGen C4225309, MONDO:0014661, OMIM 616487.
Epidermolysis bullosa simplex 5C, with pyloric atresia (EBS5C). Also called: Epidermolysis bullosa simplex with pyloric atresia; PLEC-Related Epidermolysis Bullosa with Pyloric Atresia; PLEC1-Related Epidermolysis Bullosa with Pyloric Atresia. Identifiers: Orphanet 158684, MedGen C2677349, MONDO:0012807, OMIM 612138.
Epidermolysis bullosa simplex, Ogna type (EBS5A). Also called: EPIDERMOLYSIS BULLOSA SIMPLEX 5A, OGNA TYPE; Pidermolysis bullosa simplex 5A, Ogna type. Identifiers: Orphanet 79401, MedGen C0432317, MONDO:0007555, OMIM 131950.

Allele frequency attached by ClinVar (database versions not stated): TOPMed 0.00001.

Submission:

Labcorp Genetics (formerly Invitae), Labcorp
Classification: Uncertain significance for Autosomal recessive limb-girdle muscular dystrophy type 2Q; Epidermolysis bullosa simplex, Ogna type; Epidermolysis bullosa simplex with nail dystrophy; Epidermolysis bullosa simplex 5C, with pyloric atresia; Epidermolysis bullosa simplex 5B, with muscular dystrophy. Last evaluated: 2023-12-21. Review status: criteria provided, single submitter. Criteria: Invitae Variant Classification Sherloc (09022015). Collection method: clinical testing. Allele origin: germline.
Comment: This sequence change replaces leucine, which is neutral and non-polar, with proline, which is neutral and non-polar, at codon 4198 of the PLEC protein (p.Leu4198Pro). This variant is not present in population databases (gnomAD no frequency). This variant has not been reported in the literature in individuals affected with PLEC-related conditions. ClinVar contains an entry for this variant (Variation ID: 1500413). Advanced modeling of protein sequence and biophysical properties (such as structural, functional, and spatial information, amino acid conservation, physicochemical variation, residue mobility, and thermodynamic stability) performed at Invitae indicates that this missense variant is expected to disrupt PLEC protein function with a positive predictive value of 80%. In summary, the available evidence is currently insufficient to determine the role of this variant in disease. Therefore, it has been classified as a Variant of Uncertain Significance.

NM_201384.3(PLEC):c.12512T>C (p.Leu4171Pro)

Gene: PLEC (plectin; minus strand). Cytogenetic location: 8q24.3.
Variant type: single nucleotide variant.
Coding change: c.12512T>C on transcript NM_201384.3 (MANE Select); coding-DNA position 12512, T replaced by C.
Protein change: p.Leu4171Pro; replaces leucine 4171 with proline.
Molecular consequence: missense variant.
Genome position (GRCh38, 1-based): chr8:143,917,309, A>G on the plus strand (T>C on the coding strand, the complement: PLEC is on the minus strand). VCF-style: chr8-143917309-A-G. GRCh37 (hg19) VCF-style: chr8-144991477-A-G.
Other names: c.12593T>C, p.Leu4198Pro (NM_000445.5); c.12470T>C, p.Leu4157Pro (NM_201378.4); c.12446T>C, p.Leu4149Pro (NM_201379.3); c.12923T>C, p.Leu4308Pro (NM_201380.4); c.12416T>C, p.Leu4139Pro (NM_201381.3); c.12512T>C, p.Leu4171Pro (NM_201382.4); c.12524T>C, p.Leu4175Pro (NM_201383.3); short protein forms L4157P, L4171P, L4175P, L4308P, L4149P, L4198P, L4139P.
Identifiers: ClinVar variation 1500413 (VCV001500413.6), dbSNP rs1820896473, ClinGen allele CA372481218.